The following is an entry in ClinVar:

ClinVar aggregate classification (germline): Uncertain significance (1 of 4 stars; one submission).

Conditions:
Hereditary cancer-predisposing syndrome. Also called: Hereditary Cancer Syndrome; Hereditary neoplastic syndrome; Neoplastic Syndromes, Hereditary; Tumor predisposition. Identifiers: Orphanet 140162, MedGen C0027672, MeSH D009386, MONDO:0015356.

Allele frequency attached by ClinVar (database versions not stated): ExAC 0.00004; gnomAD exomes 0.00005; gnomAD 0.00006; TOPMed 0.00007; ESP Exome Variant Server 0.00023.
gnomAD v4.1: 89 of 1,613,290 alleles (0.0055%); highest among the groups gnomAD compares: Non-Finnish European, 0.007%; no homozygotes.

Submission:

Sema4
Classification: Uncertain significance for Hereditary cancer-predisposing syndrome. Last evaluated: 2022-03-09. Review status: criteria provided, single submitter. Criteria: Sema4 Curation Guidelines. Collection method: curation. Allele origin: germline.
Comment: The MAX c.36+27G>T variant has been reported in heterozygosity in at least 1 individual with Pheochromocytoma (PMID: 30877234). It was observed in 13/109428 chromosomes of the Non-Finnish European (NFE) subpopulation, with no homozygotes, in the Genome Aggregation Database (PMID: 32461654). This variant has not been reported in ClinVar. Predictions by in silico tools that predict the effect of sequence changes are not available, and though these predictions have not been confirmed by functional studies. The evidence is insufficient to meet ACMG/AMP criteria for classifying the variant as benign or pathogenic. Thus, the clinical significance of this variant is currently uncertain.

Literature cited by the submitters: PubMed 30877234.

NM_002382.5(MAX):c.36+27G>T

Genes: MAX (MYC associated transcriptional regulator X; minus strand), LOC130055850 (ATAC-STARR-seq lymphoblastoid silent region 5847; plus strand). Cytogenetic location: 14q23.3.
Variant type: single nucleotide variant.
Coding change: c.36+27G>T on transcript NM_002382.5 (MANE Select); 27 bases into the intron after coding-DNA position 36, G replaced by T.
Molecular consequence: intron variant.
Genome position (GRCh38, 1-based): chr14:65,102,277, C>A on the plus strand (G>T on the coding strand, the complement: MAX is on the minus strand). VCF-style: chr14-65102277-C-A. GRCh37 (hg19) VCF-style: chr14-65568995-C-A.
Other names: c.36+27G>T (NM_001271069.2, NM_197957.4, NM_145112.3 and 3 more transcripts); c.-239+27G>T (NM_001320415.2).
Identifiers: ClinVar variation 1692654 (VCV001692654.1), dbSNP rs373635057, ClinGen allele CA7233025.